The following is an entry in ClinVar:

ClinVar aggregate classification (germline): Likely pathogenic. Review status: reviewed by expert panel (3 of 4 stars). 2 submissions from 2 submitters: Likely pathogenic (1). 1 of the submissions does not count toward it. Last evaluated 2024-09-17.

Conditions:
Noonan syndrome-like disorder with loose anagen hair 2 (NSLH2). Identifiers: MedGen C4479577, MONDO:0054588, OMIM 617506.
RASopathy. Also called: Noonan spectrum disorder; rasopathies. Identifiers: Orphanet 536391, MedGen C5555857, MONDO:0021060.

Submissions (2):

ClinGen RASopathy Variant Curation Expert Panel
Classification: Likely pathogenic for RASopathy. Last evaluated: 2024-09-17. Review status: reviewed by expert panel. Criteria: ClinGen RASopathy ACMG Specifications PPP1CB V1.1.0. Collection method: curation. Allele origin: germline. Inheritance: Autosomal dominant inheritance.
Comment: The c.166G>C (p.Ala56Pro) variant in PPP1CB is a missense variant predicted to cause substitution of alanine by proline at amino acid 56. This variant is absent from gnomAD v4 (PM2_Supporting). PPP1CB, in which the variant was identified, is defined by the ClinGen RASopathy VCEP as a gene that has a low rate of benign missense variation and where pathogenic missense variants are a common mechanism of disease (PP2). The missense Z-score is 4.33 which is above the threshold set by the Rasopathy VCEP. The computational predictor REVEL gives a score of 0.463, which is neither above nor below the thresholds predicting a damaging or benign impact on PPP1CB function. This variant has been reported in 1 proband with features of RASopathy (PS4_Supporting; PMID:27264673). This variant has been identified as a de novo occurrence with confirmed parental relationships in 1 individual with features of RASopathy (PS2; PMID: 27264673). In summary, this variant meets the criteria to be classified as likely pathogenic for autosomal dominant RASopathy based on the ACMG/AMP criteria applied, as specified by the ClinGen RASopathy VCEP: PS2, PS4_P, PM2_P, PP2. (RASopathy VCEP specifications version 1.1; 9/17/2024)

OMIM
Classification: Pathogenic for NOONAN SYNDROME-LIKE DISORDER WITH LOOSE ANAGEN HAIR 2. Last evaluated: 2017-05-31. Review status: no assertion criteria provided. Collection method: literature only. Allele origin: germline. Not counted in ClinVar's aggregate classification.

Literature cited by the submitters: PubMed 27264673 (cited by OMIM).

NM_002709.3(PPP1CB):c.166G>C (p.Ala56Pro)

Gene: PPP1CB (protein phosphatase 1 catalytic subunit beta; plus strand). Cytogenetic location: 2p23.2.
Variant type: single nucleotide variant.
Coding change: c.166G>C on transcript NM_002709.3 (MANE Select); coding-DNA position 166, G replaced by C.
Protein change: p.Ala56Pro; replaces alanine 56 with proline.
Molecular consequence: missense variant.
Genome position (GRCh38, 1-based): chr2:28,776,964, G>C. VCF-style: chr2-28776964-G-C. GRCh37 (hg19) VCF-style: chr2-28999830-G-C.
Other names: NM_002709.3(PPP1CB):c.166G>C; p.Ala56Pro; c.166G>C, p.Ala56Pro (NM_206876.2); short protein forms A56P.
Identifiers: ClinVar variation 427633 (VCV000427633.2), dbSNP rs1114167429, ClinGen allele CA346581171.